The following is an entry in ClinVar:

NM_003072.5(SMARCA4):c.3339A>G (p.Glu1113=)

Gene: SMARCA4 (SWI/SNF related BAF chromatin remodeling complex subunit ATPase 4; plus strand). Cytogenetic location: 19p13.2.
Variant type: single nucleotide variant.
Coding change: c.3339A>G on transcript NM_003072.5 (MANE Select); coding-DNA position 3339, A replaced by G.
Protein change: p.Glu1113=; no amino-acid change (glutamic acid 1113 retained).
Molecular consequence: synonymous variant. On other transcripts: non-coding transcript variant (1).
Genome position (GRCh38, 1-based): chr19:11,027,907, A>G. VCF-style: chr19-11027907-A-G. GRCh37 (hg19) VCF-style: chr19-11138583-A-G.
Other names: c.3339A>G, p.Glu1113= (NM_001128844.3, NM_001128845.2, NM_001128846.2 and 6 more transcripts).
Identifiers: ClinVar variation 2025423 (VCV002025423.5), dbSNP rs2146545263, ClinGen allele CA505491822.
Genomic context (GRCh38, chr19:11,027,907, plus strand): 5'-AGCAACCAACCACAAAGTGCTGCTGTTCTGCCAAATGACCTCCCTCATGACCATCATGGA[A>G]GATTACTTTGCGTATCGCGGCTTTAAATACCTCAGGCTTGATGGTGAGTATGAGCCAGTG-3'
Protein context (NP_003063.2, residues 1103-1123): CQMTSLMTIM[Glu1113=]DYFAYRGFKY

ClinVar aggregate classification (germline): Benign/Likely benign. Review status: criteria provided, multiple submitters, no conflicts (2 of 4 stars). 2 submissions from 2 submitters: Benign (1); Likely benign (1). Last evaluated 2026-07-14.

Conditions:
Rhabdoid tumor predisposition syndrome 2 (RTPS2). Identifiers: Orphanet 231108, Orphanet 69077, MedGen C2750074, MONDO:0013224, OMIM 613325.

Allele frequency attached by ClinVar (database versions not stated): gnomAD exomes below 0.00001.
gnomAD v4.1: 1 of 1,614,190 alleles (0.000062%); highest among the groups gnomAD compares: Non-Finnish European, 0.000085%; no homozygotes.

Submissions (2):

Myriad Genetics, Inc.
Classification: Benign for Rhabdoid tumor predisposition syndrome 2. Last evaluated: 2026-07-14. Review status: criteria provided, single submitter. Criteria: Myriad Autosomal Dominant, Autosomal Recessive and X-Linked Classification Criteria (2023). Collection method: clinical testing. Allele origin: unknown.
Comment: This variant is considered benign. This variant is a silent/synonymous amino acid change and it is not expected to impact splicing.

Labcorp Genetics (formerly Invitae), Labcorp
Classification: Likely benign for Rhabdoid tumor predisposition syndrome 2. Last evaluated: 2022-08-20. Review status: criteria provided, single submitter. Criteria: Invitae Variant Classification Sherloc (09022015). Collection method: clinical testing. Allele origin: germline.